The following is an entry in ClinVar:

NM_003482.4(KMT2D):c.7604G>A (p.Arg2535His)

Gene: KMT2D (lysine methyltransferase 2D; minus strand). Cytogenetic location: 12q13.12.
Variant type: single nucleotide variant.
Coding change: c.7604G>A on transcript NM_003482.4 (MANE Select); coding-DNA position 7604, G replaced by A.
Protein change: p.Arg2535His; replaces arginine 2535 with histidine.
Molecular consequence: missense variant.
Genome position (GRCh38, 1-based): chr12:49,040,166, C>T on the plus strand (G>A on the coding strand, the complement: KMT2D is on the minus strand). VCF-style: chr12-49040166-C-T. GRCh37 (hg19) VCF-style: chr12-49433949-C-T.
Other names: short protein forms R2535H.
Identifiers: ClinVar variation 1254328 (VCV001254328.6), dbSNP rs756461524, ClinGen allele CA6547028.

ClinVar aggregate classification (germline): Conflicting classifications of pathogenicity. Review status: criteria provided, conflicting classifications (1 of 4 stars). 3 submissions from 3 submitters: Uncertain significance (1); Benign (1); Likely benign (1). Last evaluated 2024-06-01.

Conditions:
Choanal atresia-athelia-hypothyroidism-delayed puberty-short stature syndrome (BCAHH). Also called: BRANCHIAL ARCH ABNORMALITIES, CHOANAL ATRESIA, ATHELIA, HEARING LOSS, AND HYPOTHYROIDISM SYNDROME. Identifiers: Orphanet 589856, MedGen C5680310, MONDO:0035651, OMIM 620186.
Kabuki syndrome 1 (KABUK1). Also called: KMT2D-Related Kabuki Syndrome. Identifiers: Orphanet 2322, MedGen CN030661, MONDO:0007843, OMIM 147920.
Kabuki syndrome. Also called: NIIKAWA-KUROKI SYNDROME; Kabuki make-up syndrome. Identifiers: Orphanet 2322, MedGen C0796004, MONDO:0016512.

Allele frequency attached by ClinVar (database versions not stated): gnomAD exomes below 0.00001 and 0.00001; ExAC 0.00001; gnomAD 0.00001; TOPMed 0.00002.
gnomAD v4.1: 13 of 1,613,656 alleles (0.00081%); highest among the groups gnomAD compares: South Asian, 0.0055%; no homozygotes.

Submissions (3):

Fulgent Genetics
Classification: Uncertain significance for Kabuki syndrome 1; Choanal atresia-athelia-hypothyroidism-delayed puberty-short stature syndrome. Last evaluated: 2024-06-01. Review status: criteria provided, single submitter. Criteria: ACMG Guidelines, 2015. Collection method: clinical testing. Allele origin: germline.

Labcorp Genetics (formerly Invitae), Labcorp
Classification: Benign for Kabuki syndrome. Last evaluated: 2023-12-28. Review status: criteria provided, single submitter. Criteria: Invitae Variant Classification Sherloc (09022015). Collection method: clinical testing. Allele origin: germline.

GeneDx
Classification: Likely benign. Last evaluated: 2021-08-14. Review status: criteria provided, single submitter. Criteria: GeneDx Variant Classification Process June 2021. Collection method: clinical testing. Allele origin: germline. Affected: yes.
Comment: Has not been previously published as pathogenic or benign to our knowledge; In silico analysis, which includes protein predictors and evolutionary conservation, supports that this variant does not alter protein structure/function